The following is an entry in ClinVar:

ClinVar aggregate classification (germline): Pathogenic (1 of 4 stars; one submission).

Conditions:
Mucopolysaccharidosis, MPS-III-C (MPS3C). Also called: MPS III C; Mucopolysaccharidosis type IIIC (Sanfilippo C); SANFILIPPO SYNDROME C; MUCOPOLYSACCHARIDOSIS, TYPE IIIC; mucopolysaccharidosis type 3C; MPS IIIC (Sanfilippo Syndrome Type C). Identifiers: Orphanet 581, Orphanet 79271, MedGen C0086649, MONDO:0009657, OMIM 252930.
Retinitis pigmentosa 73 (RP73). Identifiers: Orphanet 791, MedGen C4225287, MONDO:0014687, OMIM 616544.

Submission:

Labcorp Genetics (formerly Invitae), Labcorp
Classification: Pathogenic for Retinitis pigmentosa 73; Mucopolysaccharidosis, MPS-III-C. Last evaluated: 2020-08-27. Review status: criteria provided, single submitter. Criteria: Invitae Variant Classification Sherloc (09022015). Collection method: clinical testing. Allele origin: germline.
Comment: Loss-of-function variants in HGSNAT are known to be pathogenic (PMID: 17033958, 19479962). For these reasons, this variant has been classified as Pathogenic. This variant has not been reported in the literature in individuals with HGSNAT-related conditions. This variant is not present in population databases (ExAC no frequency). This sequence change creates a premature translational stop signal (p.Arg45Lysfs*16) in the HGSNAT gene. It is expected to result in an absent or disrupted protein product.

Literature cited by the submitters: PubMed 17033958; PubMed 19479962.

NM_152419.3(HGSNAT):c.133dup (p.Arg45fs)

Gene: HGSNAT (heparan-alpha-glucosaminide N-acetyltransferase; plus strand). Cytogenetic location: 8p11.21.
Variant type: Duplication.
Coding change: c.133dup on transcript NM_152419.3 (MANE Select); coding-DNA position 133, one base duplicated (A; older notation c.133dupA).
Protein change: p.Arg45fs; shifts the reading frame from arginine 45.
Molecular consequence: frameshift variant. On other transcripts: 5 prime UTR variant (1).
Genome position (GRCh38, 1-based): chr8:43,146,962, A duplicated; the last of 7 consecutive A bases (chr8:43,146,956-43,146,962); duplicating any one gives the same sequence. VCF-style (leftmost placement, unchanged base first): chr8-43146955-C-CA. GRCh37 (hg19) VCF-style: chr8-43002098-C-CA.
Other names: c.133dup, p.Arg45fs (NM_001363227.2, NM_001363228.2); c.-701dup (NM_001363229.2); short protein forms R45fs.
Identifiers: ClinVar variation 1076551 (VCV001076551.5), dbSNP rs1220771600, ClinGen allele CA2499219319.